The following is an entry in ClinVar:

ClinVar aggregate classification (germline): Uncertain significance (1 of 4 stars; one submission).

Conditions:
Periodontitis, aggressive. Identifiers: MedGen C0031106, MONDO:0980757.
Haim-Munk syndrome (HMS). Also called: COCHIN JEWISH DISORDER; KERATOSIS PALMOPLANTARIS WITH PERIODONTOPATHIA AND ONYCHOGRYPOSIS. Identifiers: Orphanet 2342, MedGen C1855627, MONDO:0009491, OMIM 245010.
Papillon-Lefèvre syndrome (PALS). Also called: Papillon-Lefevre Disease; KERATOSIS PALMOPLANTARIS WITH PERIODONTOPATHIA. Identifiers: Orphanet 678, MedGen C0030360, MONDO:0009490, OMIM 245000.

gnomAD v4.1: 3 of 1,613,780 alleles (0.00019%); highest among the groups gnomAD compares: African/African-American, 0.0013%; no homozygotes.

Submission:

Labcorp Genetics (formerly Invitae), Labcorp
Classification: Uncertain significance for Haim-Munk syndrome; Periodontitis, aggressive; Papillon-Lefèvre syndrome. Last evaluated: 2022-03-03. Review status: criteria provided, single submitter. Criteria: Invitae Variant Classification Sherloc (09022015). Collection method: clinical testing. Allele origin: germline.
Comment: This sequence change replaces methionine, which is neutral and non-polar, with valine, which is neutral and non-polar, at codon 264 of the CTSC protein (p.Met264Val). This variant is present in population databases (rs779749265, gnomAD 0.003%). This variant has not been reported in the literature in individuals affected with CTSC-related conditions. ClinVar contains an entry for this variant (Variation ID: 647418). Algorithms developed to predict the effect of missense changes on protein structure and function output the following: SIFT: "Not Available"; PolyPhen-2: "Benign"; Align-GVGD: "Not Available". The valine amino acid residue is found in multiple mammalian species, which suggests that this missense change does not adversely affect protein function. In summary, the available evidence is currently insufficient to determine the role of this variant in disease. Therefore, it has been classified as a Variant of Uncertain Significance.

NM_001814.6(CTSC):c.790A>G (p.Met264Val)

Gene: CTSC (cathepsin C; minus strand). Cytogenetic location: 11q14.2.
Variant type: single nucleotide variant.
Coding change: c.790A>G on transcript NM_001814.6 (MANE Select); coding-DNA position 790, A replaced by G.
Protein change: p.Met264Val; replaces methionine 264 with valine.
Molecular consequence: missense variant.
Genome position (GRCh38, 1-based): chr11:88,296,232, T>C on the plus strand (A>G on the coding strand, the complement: CTSC is on the minus strand). VCF-style: chr11-88296232-T-C. GRCh37 (hg19) VCF-style: chr11-88029400-T-C.
Other names: short protein forms M264V.
Identifiers: ClinVar variation 647418 (VCV000647418.6), dbSNP rs779749265, ClinGen allele CA6219841.